The following is an entry in ClinVar:

NM_000996.4(RPL35A):c.101A>T (p.Tyr34Phe)

Genes: DRC9 (dynein regulatory complex subunit 9; minus strand), RPL35A (ribosomal protein L35a; plus strand). Cytogenetic location: 3q29.
Variant type: single nucleotide variant.
Coding change: c.101A>T on transcript NM_000996.4 (MANE Select); coding-DNA position 101, A replaced by T.
Protein change: p.Tyr34Phe; replaces tyrosine 34 with phenylalanine.
Molecular consequence: missense variant. On other transcripts: intron variant (3).
Genome position (GRCh38, 1-based): chr3:197,951,248, A>T. VCF-style: chr3-197951248-A-T. GRCh37 (hg19) VCF-style: chr3-197678119-A-T.
Other names: c.101A>T, p.Tyr34Phe (NM_001316311.2); c.-49-7197T>A (NM_001323028.2); c.-59-5562T>A (NM_032263.5); c.-374-5562T>A (NM_001323029.2); short protein forms Y34F.
Identifiers: ClinVar variation 1519866 (VCV001519866.8), dbSNP rs773889184, ClinGen allele CA2789169.
Genomic context (GRCh38, chr3:197,951,248, plus strand): 5'-ATAAGCGGGGTCTCCGGAACCAAAGGGAGCACACAGCTCTTCTTAAAATTGAAGGTGTTT[A>T]CGCCCGAGATGAAACAGAATTCTATTTGGGCAAGAGATGCGCTTATGTATATAAAGCAAA-3'
Protein context (NP_000987.2, residues 24-44): HTALLKIEGV[Tyr34Phe]ARDETEFYLG

ClinVar aggregate classification (germline): Uncertain significance (1 of 4 stars; one submission).

Conditions:
Diamond-Blackfan anemia 5 (DBA5). Also called: RPL35A-Related Diamond-Blackfan Anemia. Identifiers: Orphanet 124, MedGen C2675859, MONDO:0012925, OMIM 612528.

Allele frequency attached by ClinVar (database versions not stated): gnomAD exomes below 0.00001 and 0.00001; ExAC 0.00001; gnomAD 0.00001; TOPMed 0.00001.
gnomAD v4.1: 6 of 1,614,046 alleles (0.00037%); highest among the groups gnomAD compares: East Asian, 0.0089%; 1 homozygote.

Submission:

Labcorp Genetics (formerly Invitae), Labcorp
Classification: Uncertain significance for Diamond-Blackfan anemia 5. Last evaluated: 2023-10-13. Review status: criteria provided, single submitter. Criteria: Invitae Variant Classification Sherloc (09022015). Collection method: clinical testing. Allele origin: germline.
Comment: This sequence change replaces tyrosine, which is neutral and polar, with phenylalanine, which is neutral and non-polar, at codon 34 of the RPL35A protein (p.Tyr34Phe). This variant is present in population databases (rs773889184, gnomAD 0.02%). This variant has not been reported in the literature in individuals affected with RPL35A-related conditions. ClinVar contains an entry for this variant (Variation ID: 1519866). An algorithm developed to predict the effect of missense changes on protein structure and function (PolyPhen-2) suggests that this variant is likely to be tolerated. In summary, the available evidence is currently insufficient to determine the role of this variant in disease. Therefore, it has been classified as a Variant of Uncertain Significance.